The following is an entry in ClinVar:

ClinVar aggregate classification (germline): Benign/Likely benign. Review status: criteria provided, multiple submitters, no conflicts (2 of 4 stars). 6 submissions from 6 submitters: Benign (3); Likely benign (2). 1 of the submissions does not count toward it. Last evaluated 2026-02-03.

Conditions:
Hypertriglyceridemia 2. Identifiers: MedGen C5543398, MONDO:0859149, OMIM 619324.
CREB3L3-related disorder. Also called: CREB3L3-related condition.

Allele frequency attached by ClinVar (database versions not stated): 1000 Genomes Project 30x 0.00062; 1000 Genomes Project 0.00080; ExAC 0.00100; ESP Exome Variant Server 0.00100; gnomAD 0.00116 and 0.00117; TOPMed 0.00157.
gnomAD v4.1: 2,496 of 1,576,914 alleles (0.16%); highest among the groups gnomAD compares: Admixed American, 0.31%; 8 homozygotes.

Submissions (6):

Labcorp Genetics (formerly Invitae), Labcorp
Classification: Benign. Last evaluated: 2026-02-03. Review status: criteria provided, single submitter. Criteria: Invitae Variant Classification Sherloc (09022015). Collection method: clinical testing. Allele origin: germline.

Mayo Clinic Laboratories, Mayo Clinic
Classification: Benign. Last evaluated: 2025-10-01. Review status: criteria provided, single submitter. Criteria: ACMG Guidelines, 2015. Collection method: clinical testing. Allele origin: germline. Observed: 1 variant allele.
Comment: BS1, BS2

Blueprint Genetics
Classification: Likely benign. Last evaluated: 2024-10-23. Review status: criteria provided, single submitter. Criteria: ACMG Guidelines, 2015. Collection method: clinical testing. Allele origin: germline.

Fulgent Genetics
Classification: Likely benign for Hypertriglyceridemia 2. Last evaluated: 2021-11-02. Review status: criteria provided, single submitter. Criteria: ACMG Guidelines, 2015. Collection method: clinical testing. Allele origin: unknown.

Breakthrough Genomics
Classification: Benign. Review status: criteria provided, single submitter. Criteria: ACMG Guidelines, 2015. Collection method: not provided. Allele origin: germline. Inheritance: Autosomal dominant inheritance. Affected: yes.

PreventionGenetics, part of Exact Sciences
Classification: Likely benign for CREB3L3-related condition. Last evaluated: 2024-04-05. Review status: no assertion criteria provided. Collection method: clinical testing. Allele origin: germline. Not counted in ClinVar's aggregate classification.
Comment: This variant is classified as likely benign based on ACMG/AMP sequence variant interpretation guidelines (Richards et al. 2015 PMID: 25741868, with internal and published modifications).

Literature cited by the submitters: PubMed 21666694 (cited by Mayo Clinic Laboratories, Mayo Clinic); PubMed 26764160 (cited by Mayo Clinic Laboratories, Mayo Clinic); PubMed 32041611 (cited by Mayo Clinic Laboratories, Mayo Clinic); PubMed 36325899 (cited by Mayo Clinic Laboratories, Mayo Clinic).

NM_032607.3(CREB3L3):c.544G>A (p.Asp182Asn)

Gene: CREB3L3 (cAMP responsive element binding protein 3 like 3; plus strand). Cytogenetic location: 19p13.3.
Variant type: single nucleotide variant.
Coding change: c.544G>A on transcript NM_032607.3 (MANE Select); coding-DNA position 544, G replaced by A.
Protein change: p.Asp182Asn; replaces aspartic acid 182 with asparagine.
Molecular consequence: missense variant.
Genome position (GRCh38, 1-based): chr19:4,159,750, G>A. VCF-style: chr19-4159750-G-A. GRCh37 (hg19) VCF-style: chr19-4159747-G-A.
Other names: p.Asp182Asn; c.541G>A, p.Asp181Asn (NM_001271995.2); c.544G>A, p.Asp182Asn (NM_001271996.2, NM_001271997.2); c.544G>A (NM_032607.2); short protein forms D181N, D182N.
Identifiers: ClinVar variation 1600091 (VCV001600091.13), dbSNP rs140312652, ClinGen allele CA9091355.